The following is an entry in ClinVar:

ClinVar aggregate classification (germline): Likely benign. Review status: criteria provided, single submitter (1 of 4 stars). 2 submissions from 2 submitters: Likely benign (1). 1 of the submissions does not count toward it. Last evaluated 2023-12-27.

Conditions:
NLRP1-related disorder. Also called: NLRP1-related condition.

Allele frequency attached by ClinVar (database versions not stated): ExAC 0.00002; TOPMed 0.00006; gnomAD 0.00007; ESP Exome Variant Server 0.00008.
gnomAD v4.1: 36 of 1,614,062 alleles (0.0022%); highest among the groups gnomAD compares: African/African-American, 0.0093%; no homozygotes.

Submissions (2):

Labcorp Genetics (formerly Invitae), Labcorp
Classification: Likely benign. Last evaluated: 2023-12-27. Review status: criteria provided, single submitter. Criteria: Invitae Variant Classification Sherloc (09022015). Collection method: clinical testing. Allele origin: germline.

PreventionGenetics, part of Exact Sciences
Classification: Likely benign for NLRP1-related condition. Last evaluated: 2024-02-01. Review status: no assertion criteria provided. Collection method: clinical testing. Allele origin: germline. Not counted in ClinVar's aggregate classification.
Comment: This variant is classified as likely benign based on ACMG/AMP sequence variant interpretation guidelines (Richards et al. 2015 PMID: 25741868, with internal and published modifications).

NM_033004.4(NLRP1):c.1968G>A (p.Thr656=)

Gene: NLRP1 (NLR family pyrin domain containing 1; minus strand). Cytogenetic location: 17p13.2.
Variant type: single nucleotide variant.
Coding change: c.1968G>A on transcript NM_033004.4 (MANE Select); coding-DNA position 1968, G replaced by A.
Protein change: p.Thr656=; no amino-acid change (threonine 656 retained).
Molecular consequence: synonymous variant.
Genome position (GRCh38, 1-based): chr17:5,558,728, C>T on the plus strand (G>A on the coding strand, the complement: NLRP1 is on the minus strand). VCF-style: chr17-5558728-C-T. GRCh37 (hg19) VCF-style: chr17-5462048-C-T.
Other names: c.1968G>A, p.Thr656= (NM_001033053.3, NM_014922.5, NM_033006.4 and 1 more transcripts).
Identifiers: ClinVar variation 2959688 (VCV002959688.5), dbSNP rs139136010, ClinGen allele CA8327293.